The following is an entry in ClinVar:

NM_000053.4(ATP7B):c.2002A>G (p.Met668Val)

Gene: ATP7B (ATPase copper transporting beta; minus strand). Cytogenetic location: 13q14.3.
Variant type: single nucleotide variant.
Coding change: c.2002A>G on transcript NM_000053.4 (MANE Select); coding-DNA position 2002, A replaced by G.
Protein change: p.Met668Val; replaces methionine 668 with valine.
Molecular consequence: missense variant. On other transcripts: intron variant (2).
Genome position (GRCh38, 1-based): chr13:51,960,267, T>C on the plus strand (A>G on the coding strand, the complement: ATP7B is on the minus strand). VCF-style: chr13-51960267-T-C. GRCh37 (hg19) VCF-style: chr13-52534403-T-C.
Other names: p.Met668Val; c.1669A>G, p.Met557Val (NM_001243182.2); c.2002A>G, p.Met668Val (NM_001330578.2); c.1870-2660A>G (NM_001005918.3); c.1870-1723A>G (NM_001330579.2); short protein forms M668V, M557V.
Identifiers: ClinVar variation 157934 (VCV000157934.16), dbSNP rs587783301, ClinGen allele CA271170.
Genomic context (GRCh38, chr13:51,960,267, plus strand): 5'-TGTTGTGGTCCAGGACCATGGACTGGTGGGGCTCGTTGCTGGGTATCAGCATATAGATCA[T>C]TAAGGCCATGACAGGGATGCCAAACACCAGGCTGCACAGGAAAGACTTCTTCCACCTGGA-3'
Protein context (NP_000044.2, residues 658-678): LVFGIPVMAL[Met668Val]IYMLIPSNEP

ClinVar aggregate classification (germline): Conflicting classifications of pathogenicity. Review status: criteria provided, conflicting classifications (1 of 4 stars). 8 submissions from 8 submitters: Likely pathogenic (2); Uncertain significance (5). 1 of the submissions does not count toward it. Last evaluated 2025-03-19.

Conditions:
Wilson disease (WND). Also called: Wilson's disease. Identifiers: Orphanet 905, MedGen C0019202, MONDO:0010200, OMIM 277900. Disease mechanism: loss of function.

Allele frequency attached by ClinVar (database versions not stated): gnomAD exomes below 0.00001; TOPMed below 0.00001.
gnomAD v4.1: 1 of 1,613,882 alleles (0.000062%); highest among the groups gnomAD compares: Non-Finnish European, 0.000085%; no homozygotes.

Submissions (8):

Women's Health and Genetics/Laboratory Corporation of America, LabCorp
Classification: Uncertain significance. Last evaluated: 2025-03-19. Review status: criteria provided, single submitter. Criteria: LabCorp Variant Classification Summary - May 2015. Collection method: clinical testing. Allele origin: germline.
Comment: Variant summary: ATP7B c.2002A>G (p.Met668Val) results in a conservative amino acid change in the encoded protein sequence. Four of five in-silico tools predict a damaging effect of the variant on protein function. The variant allele was found at a frequency of 4e-06 in 249224 control chromosomes. The available data on variant occurrences in the general population are insufficient to allow any conclusion about variant significance. To our knowledge, no occurrence of c.2002A>G in individuals affected with Wilson Disease and no experimental evidence demonstrating its impact on protein function have been reported. ClinVar contains an entry for this variant (Variation ID: 157934). Based on the evidence outlined above, the variant was classified as uncertain significance.

All of Us Research Program, National Institutes of Health
Classification: Uncertain significance for Wilson disease. Last evaluated: 2023-11-02. Review status: criteria provided, single submitter. Criteria: ACMG Guidelines, 2015. Collection method: clinical testing. Allele origin: germline. Inheritance: Autosomal recessive inheritance. Observed: 3 variant alleles, 3 heterozygotes.
Comment: This missense variant replaces methionine with valine at codon 668 of the ATP7B protein. Computational prediction suggests that this variant may have deleterious impact on protein structure and function (internally defined REVEL score threshold >= 0.7, PMID: 27666373). To our knowledge, functional studies have not been reported for this variant. This variant has not been reported in individuals affected with ATP7B-related disorders in the literature. This variant has been identified in 1/249224 chromosomes in the general population by the Genome Aggregation Database (gnomAD). The available evidence is insufficient to determine the role of this variant in disease conclusively. Therefore, this variant is classified as a Variant of Uncertain Significance.

This study involves interpretation of variants in research participants for the purpose of population health screening. Participant phenotype was not available at the time of variant classification. Additional details can be found in publication PMID: 35346344, PMCID: PMC8962531

Mayo Clinic Laboratories, Mayo Clinic
Classification: Uncertain significance. Last evaluated: 2023-10-09. Review status: criteria provided, single submitter. Criteria: ACMG Guidelines, 2015. Collection method: clinical testing. Allele origin: germline. Observed: 1 variant allele.
Comment: PP3, PM2_moderate

Color Diagnostics, LLC DBA Color Health
Classification: Uncertain significance for Wilson disease. Last evaluated: 2023-05-12. Review status: criteria provided, single submitter. Criteria: ACMG Guidelines, 2015. Collection method: clinical testing. Allele origin: germline.
Comment: This missense variant replaces methionine with valine at codon 668 of the ATP7B protein. Computational prediction suggests that this variant may have deleterious impact on protein structure and function. To our knowledge, functional studies have not been reported for this variant. This variant has not been reported in individuals affected with ATP7B-related disorders in the literature. This variant has been identified in 1/249224 chromosomes in the general population by the Genome Aggregation Database (gnomAD). The available evidence is insufficient to determine the role of this variant in disease conclusively. Therefore, this variant is classified as a Variant of Uncertain Significance.

Labcorp Genetics (formerly Invitae), Labcorp
Classification: Uncertain significance for Wilson disease. Last evaluated: 2021-09-17. Review status: criteria provided, single submitter. Criteria: Invitae Variant Classification Sherloc (09022015). Collection method: clinical testing. Allele origin: germline.
Comment: This sequence change replaces methionine with valine at codon 668 of the ATP7B protein (p.Met668Val). The methionine residue is highly conserved and there is a small physicochemical difference between methionine and valine. This variant is not present in population databases (ExAC no frequency). This variant has not been reported in the literature in individuals affected with ATP7B-related conditions. ClinVar contains an entry for this variant (Variation ID: 157934). Advanced modeling of protein sequence and biophysical properties (such as structural, functional, and spatial information, amino acid conservation, physicochemical variation, residue mobility, and thermodynamic stability) performed at Invitae indicates that this missense variant is expected to disrupt ATP7B protein function. Algorithms developed to predict the effect of sequence changes on RNA splicing suggest that this variant may create or strengthen a splice site. In summary, the available evidence is currently insufficient to determine the role of this variant in disease. Therefore, it has been classified as a Variant of Uncertain Significance.

Genetic Services Laboratory, University of Chicago
Classification: Likely pathogenic for Wilson's disease. Last evaluated: 2018-03-29. Review status: criteria provided, single submitter. Criteria: ACMG Guidelines, 2015. Collection method: clinical testing. Allele origin: germline. Affected: yes.

GeneDx
Classification: Likely pathogenic. Last evaluated: 2017-01-12. Review status: criteria provided, single submitter. Criteria: GeneDx Variant Classification (06012015). Collection method: clinical testing. Allele origin: germline. Affected: yes.
Comment: The M668V variant in the ATP7B gene has not been reported previously as a pathogenic variant, nor as a benign variant, to our knowledge. The M668V variant was not observed in approximately 6,200 individuals of European and African American ancestry in the NHLBI Exome Sequencing Project, indicating it is not a common benign variant in these populations. The M668V variant is a conservative amino acid substitution, which is not likely to impact secondary protein structure as these residues share similar properties. However, this substitution occurs at a position that is conserved across species, and in silico analysis predicts this variant is probably damaging to the protein structure/function. The M668V variant is a strong candidate for a pathogenic variant; however, the possibility it may be a rare benign variant cannot be completely excluded.

Counsyl
Classification: Uncertain significance for Wilson disease. Last evaluated: 2017-03-15. Review status: no assertion criteria provided. Collection method: clinical testing. Allele origin: unknown. Not counted in ClinVar's aggregate classification.

Literature cited by the submitters: PubMed 22688507 (cited by Mayo Clinic Laboratories, Mayo Clinic).